The following is an entry in ClinVar:

ClinVar aggregate classification (germline): Uncertain significance. Review status: reviewed by expert panel (3 of 4 stars). 3 submissions from 3 submitters: Uncertain significance (1). 2 of the submissions do not count toward it. Last evaluated 2025-01-15.

Conditions:
Hereditary thrombocytopenia and hematologic cancer predisposition syndrome. Identifiers: Orphanet 71290, MedGen CN281654, MONDO:0011071.
Inborn genetic diseases. Identifiers: MedGen C0950123, MeSH D030342.
Hereditary thrombocytopenia and hematological cancer predisposition syndrome associated with RUNX1. Also called: PLATELET DISORDER, ASPIRIN-LIKE; Familial Platelet Disorder with Propensity to Acute Myelogenous Leukemia; Familial thrombocytopenia with propensity to acute myelogenous leukemia; RUNX1 Familial Platelet Disorder with Associated Myeloid Malignancies. Identifiers: Orphanet 71290, MedGen C1832388, MeSH C563324, MONDO:0100083, OMIM 601399.

Submissions (3):

ClinGen Myeloid Malignancy Variant Curation Expert Panel
Classification: Uncertain significance for Hereditary thrombocytopenia and hematologic cancer predisposition syndrome. Last evaluated: 2025-01-15. Review status: reviewed by expert panel. Criteria: ClinGen MyeloMalig ACMG Specifications v2. Collection method: curation. Allele origin: germline. Inheritance: Autosomal dominant inheritance.
Comment: NM_001754.5(RUNX1):c.367G>A (p.Asp123Asn) is a missense variant which is located within the Runt Homology Domain (AA 89-204) but does not occur in an established hotspot residue (PM1_supporting). In summary, the clinical significance of this variant is uncertain. ACMG/AMP criteria applied, as specified by the Myeloid Malignancy Variant Curation Expert Panel for RUNX1: PM1_supporting.

Ambry Genetics
Classification: Uncertain significance for Inborn genetic diseases. Last evaluated: 2026-06-24. Review status: criteria provided, single submitter. Criteria: Ambry Variant Classification Scheme 2023. Collection method: clinical testing. Allele origin: germline. Not counted in ClinVar's aggregate classification.
Comment: The p.D123N variant (also known as c.367G>A), located in coding exon 4 of the RUNX1 gene, results from a G to A substitution at nucleotide position 367. The aspartic acid at codon 123 is replaced by asparagine, an amino acid with highly similar properties. This amino acid position is conserved. In addition, the in silico prediction for this alteration is inconclusive. Based on the available evidence, the clinical significance of this variant remains unclear.

Labcorp Genetics (formerly Invitae), Labcorp
Classification: Uncertain significance for Hereditary thrombocytopenia and hematological cancer predisposition syndrome associated with RUNX1. Last evaluated: 2022-05-14. Review status: criteria provided, single submitter. Criteria: Invitae Variant Classification Sherloc (09022015). Collection method: clinical testing. Allele origin: germline. Not counted in ClinVar's aggregate classification.
Comment: ClinVar contains an entry for this variant (Variation ID: 861043). In summary, the available evidence is currently insufficient to determine the role of this variant in disease. Therefore, it has been classified as a Variant of Uncertain Significance. Algorithms developed to predict the effect of missense changes on protein structure and function are either unavailable or do not agree on the potential impact of this missense change (SIFT: "Tolerated"; PolyPhen-2: "Possibly Damaging"; Align-GVGD: "Class C0"). This variant has not been reported in the literature in individuals affected with RUNX1-related conditions. This variant is present in population databases (rs373498347, gnomAD 0.002%). This sequence change replaces aspartic acid, which is acidic and polar, with asparagine, which is neutral and polar, at codon 123 of the RUNX1 protein (p.Asp123Asn).

NM_001754.5(RUNX1):c.367G>A (p.Asp123Asn)

Genes: RUNX1 (RUNX family transcription factor 1; minus strand), RUNX1-AS1 (RUNX1 antisense RNA 1; plus strand). Cytogenetic location: 21q22.12.
Variant type: single nucleotide variant.
Coding change: c.367G>A on transcript NM_001754.5 (MANE Select); coding-DNA position 367, G replaced by A.
Protein change: p.Asp123Asn; replaces aspartic acid 123 with asparagine.
Molecular consequence: missense variant.
Genome position (GRCh38, 1-based): chr21:34,880,698, C>T on the plus strand (G>A on the coding strand, the complement: RUNX1 is on the minus strand). VCF-style: chr21-34880698-C-T. GRCh37 (hg19) VCF-style: chr21-36252995-C-T.
Other names: NM_001754.5(RUNX1):c.367G>A; p.Asp123Asn; c.286G>A, p.Asp96Asn (NM_001001890.3, NM_001122607.2); short protein forms D96N, D123N.
Identifiers: ClinVar variation 861043 (VCV000861043.13), dbSNP rs373498347, ClinGen allele CA10014525.